The following is an entry in ClinVar:

ClinVar aggregate classification (germline): Uncertain significance. Review status: criteria provided, multiple submitters, no conflicts (2 of 4 stars). 4 submissions from 4 submitters: Uncertain significance (4). Last evaluated 2026-01-26.

Conditions:
Facial dysmorphism-immunodeficiency-livedo-short stature syndrome. Also called: Facial dysmorphism, immunodeficiency, livedo, and short stature; FILS syndrome. Identifiers: Orphanet 352712, MedGen C3554576, MONDO:0014058, OMIM 615139.
Intrauterine growth retardation, metaphyseal dysplasia, adrenal hypoplasia congenita, genital anomalies, and immunodeficiency. Also called: IMAGEI SYNDROME. Identifiers: MedGen C5193036, MONDO:0032684, OMIM 618336.
Colorectal cancer, susceptibility to, 12 (CRCS12). Also called: COLORECTAL CANCER, SUSCEPTIBILITY TO, ON CHROMOSOME 12q24. Identifiers: Orphanet 220460, MedGen C3554460, MONDO:0014038, OMIM 615083.
Hereditary cancer-predisposing syndrome. Also called: Neoplastic Syndromes, Hereditary; Tumor predisposition; Hereditary Cancer Syndrome; Hereditary neoplastic syndrome. Identifiers: Orphanet 140162, MedGen C0027672, MeSH D009386, MONDO:0015356.

Allele frequency attached by ClinVar (database versions not stated): gnomAD exomes below 0.00001 and 0.00001; gnomAD 0.00001; TOPMed 0.00001.
gnomAD v4.1: 8 of 1,596,748 alleles (0.0005%); highest among the groups gnomAD compares: East Asian, 0.0022%; no homozygotes.

Submissions (4):

Labcorp Genetics (formerly Invitae), Labcorp
Classification: Uncertain significance. Last evaluated: 2026-01-26. Review status: criteria provided, single submitter. Criteria: Invitae Variant Classification Sherloc (09022015). Collection method: clinical testing. Allele origin: germline.
Comment: This sequence change replaces arginine, which is basic and polar, with cysteine, which is neutral and slightly polar, at codon 1675 of the POLE protein (p.Arg1675Cys). This variant is present in population databases (no rsID available, gnomAD 0.001%). This variant has not been reported in the literature in individuals affected with POLE-related conditions. ClinVar contains an entry for this variant (Variation ID: 473705). Invitae Evidence Modeling of protein sequence and biophysical properties (such as structural, functional, and spatial information, amino acid conservation, physicochemical variation, residue mobility, and thermodynamic stability) indicates that this missense variant is expected to disrupt POLE protein function with a positive predictive value of 80%. In summary, the available evidence is currently insufficient to determine the role of this variant in disease. Therefore, it has been classified as a Variant of Uncertain Significance.

Ambry Genetics
Classification: Uncertain significance for Hereditary cancer-predisposing syndrome. Last evaluated: 2024-12-17. Review status: criteria provided, single submitter. Criteria: Ambry Variant Classification Scheme 2023. Collection method: clinical testing. Allele origin: germline.
Comment: The p.R1675C variant (also known as c.5023C>T), located in coding exon 38 of the POLE gene, results from a C to T substitution at nucleotide position 5023. The arginine at codon 1675 is replaced by cysteine, an amino acid with highly dissimilar properties. This amino acid position is highly conserved in available vertebrate species. In addition, this alteration is predicted to be deleterious by in silico analysis. Based on the available evidence, the clinical significance of this variant remains unclear.

Fulgent Genetics
Classification: Uncertain significance for Colorectal cancer, susceptibility to, 12; Facial dysmorphism-immunodeficiency-livedo-short stature syndrome; Intrauterine growth retardation, metaphyseal dysplasia, adrenal hypoplasia congenita, genital anomalies, and immunodeficiency. Last evaluated: 2024-01-17. Review status: criteria provided, single submitter. Criteria: ACMG Guidelines, 2015. Collection method: clinical testing. Allele origin: germline.

GeneDx
Classification: Uncertain significance. Last evaluated: 2023-11-26. Review status: criteria provided, single submitter. Criteria: GeneDx Variant Classification Process June 2021. Collection method: clinical testing. Allele origin: germline. Affected: yes.
Comment: Not observed at significant frequency in large population cohorts (gnomAD); In silico analysis supports that this missense variant has a deleterious effect on protein structure/function; Has not been previously published as pathogenic or benign to our knowledge

NM_006231.4(POLE):c.5023C>T (p.Arg1675Cys)

Gene: POLE (DNA polymerase epsilon, catalytic subunit; minus strand). Cytogenetic location: 12q24.33.
Variant type: single nucleotide variant.
Coding change: c.5023C>T on transcript NM_006231.4 (MANE Select); coding-DNA position 5023, C replaced by T.
Protein change: p.Arg1675Cys; replaces arginine 1675 with cysteine.
Molecular consequence: missense variant.
Genome position (GRCh38, 1-based): chr12:132,642,327, G>A on the plus strand (C>T on the coding strand, the complement: POLE is on the minus strand). VCF-style: chr12-132642327-G-A. GRCh37 (hg19) VCF-style: chr12-133218913-G-A.
Other names: c.5023C>T (NM_006231.2); short protein forms R1675C.
Identifiers: ClinVar variation 473705 (VCV000473705.14), dbSNP rs1027297469, ClinGen allele CA246303337.